The following is an entry in ClinVar:

NM_001378328.1(CELSR1):c.7395C>A (p.Val2465=)

Genes: CELSR1 (cadherin EGF LAG seven-pass G-type receptor 1; minus strand), LOC121627952 (CDK7 strongly-dependent group 2 enhancer GRCh37_chr22:46772879-46774078; plus strand). Cytogenetic location: 22q13.31.
Variant type: single nucleotide variant.
Coding change: c.7395C>A on transcript NM_001378328.1 (MANE Select); coding-DNA position 7395, C replaced by A.
Protein change: p.Val2465=; no amino-acid change (valine 2465 retained).
Molecular consequence: synonymous variant.
Genome position (GRCh38, 1-based): chr22:46,377,250, G>T on the plus strand (C>A on the coding strand, the complement: CELSR1 is on the minus strand). VCF-style: chr22-46377250-G-T. GRCh37 (hg19) VCF-style: chr22-46773147-G-T.
Other names: NC_000022.10:g.46773147G>T; c.7395C>A, p.Val2465= (NM_014246.4).
Identifiers: ClinVar variation 777755 (VCV000777755.8), dbSNP rs115025562, ClinGen allele CA10293372.

ClinVar aggregate classification (germline): Benign. Review status: criteria provided, multiple submitters, no conflicts (2 of 4 stars). 3 submissions from 3 submitters: Benign (2). 1 of the submissions does not count toward it. Last evaluated 2019-12-31.

Conditions:
CELSR1-related disorder. Also called: CELSR1-related condition.

Allele frequency attached by ClinVar (database versions not stated): ExAC 0.00317; 1000 Genomes Project 0.00839; 1000 Genomes Project 30x 0.00953; gnomAD 0.01006 and 0.01089; TOPMed 0.01088; ESP Exome Variant Server 0.01192.
gnomAD v4.1: 2,899 of 1,613,918 alleles (0.18%); highest among the groups gnomAD compares: African/African-American, 3.5%; 48 homozygotes.

Submissions (5):

Labcorp Genetics (formerly Invitae), Labcorp
Classification: Benign. Last evaluated: 2019-12-31. Review status: criteria provided, single submitter. Criteria: Invitae Variant Classification Sherloc (09022015). Collection method: clinical testing. Allele origin: germline.

Breakthrough Genomics
Classification: Benign. Review status: criteria provided, single submitter. Criteria: ACMG Guidelines, 2015. Collection method: not provided. Allele origin: germline. Inheritance: Autosomal dominant inheritance. Affected: yes.

PreventionGenetics, part of Exact Sciences
Classification: Likely benign for CELSR1-related condition. Last evaluated: 2020-01-02. Review status: no assertion criteria provided. Collection method: clinical testing. Allele origin: germline. Not counted in ClinVar's aggregate classification.
Comment: This variant is classified as likely benign based on ACMG/AMP sequence variant interpretation guidelines (Richards et al. 2015 PMID: 25741868, with internal and published modifications).

Dr. Peter K. Rogan Lab, Western University
No classification provided (evidence only). Condition: Lung cancer. Review status: no classification provided. Collection method: in vitro. Allele origin: not applicable. Functional consequence: retained intron. Not counted in ClinVar's aggregate classification.

Dr. Peter K. Rogan Lab, Western University
No classification provided (evidence only). Condition: Gastric cancer. Review status: no classification provided. Collection method: in vitro. Allele origin: not applicable. Functional consequence: retained intron. Not counted in ClinVar's aggregate classification.